The following is an entry in ClinVar:

NM_001273.5(CHD4):c.4507C>T (p.Arg1503Cys)

Genes: CHD4 (chromodomain helicase DNA binding protein 4; minus strand), CHD4-AS1 (CHD4 antisense RNA 1; plus strand). Cytogenetic location: 12p13.31.
Variant type: single nucleotide variant.
Coding change: c.4507C>T on transcript NM_001273.5 (MANE Select); coding-DNA position 4507, C replaced by T.
Protein change: p.Arg1503Cys; replaces arginine 1503 with cysteine.
Molecular consequence: missense variant.
Genome position (GRCh38, 1-based): chr12:6,582,145, G>A on the plus strand (C>T on the coding strand, the complement: CHD4 is on the minus strand). VCF-style: chr12-6582145-G-A. GRCh37 (hg19) VCF-style: chr12-6691311-G-A.
Other names: c.4486C>T, p.Arg1496Cys (NM_001297553.2); c.4468C>T, p.Arg1490Cys (NM_001363606.2); short protein forms R1490C, R1496C, R1503C.
Identifiers: ClinVar variation 1333841 (VCV001333841.3), dbSNP rs1438928727, ClinGen allele CA383572028.
Genomic context (GRCh38, chr12:6,582,145, plus strand): 5'-GAGCCACTGCGCCTGGCCCCCTAGAAACAATGGCAAGAGGCTCAGGGCTCACCTTCTTGC[G>A]AATCAAAGACATAACACCAATTCTAGTAAGGACATGCTGGCGAGACAGGCCTTCTCGGGG-3'
Protein context (NP_001264.2, residues 1493-1513): LTRIGVMSLI[Arg1503Cys]KKVQEFEHVN

ClinVar aggregate classification (germline): Uncertain significance. Review status: criteria provided, multiple submitters, no conflicts (2 of 4 stars). 2 submissions from 2 submitters: Uncertain significance (2). Last evaluated 2024-10-30.

Conditions:
Sifrim-Hitz-Weiss syndrome (SIHIWES). Also called: SIFRIM-HITZ-WEISS MULTIPLE CONGENITAL ANOMALIES-MENTAL RETARDATION SYNDROME; CHD4 Neurodevelopmental Disorder. Identifiers: Orphanet 653712, MedGen C4310688, MONDO:0014946, OMIM 617159.

Allele frequency attached by ClinVar (database versions not stated): gnomAD exomes below 0.00001; gnomAD 0.00001.

Submissions (2):

Labcorp Genetics (formerly Invitae), Labcorp
Classification: Uncertain significance. Last evaluated: 2024-10-30. Review status: criteria provided, single submitter. Criteria: Invitae Variant Classification Sherloc (09022015). Collection method: clinical testing. Allele origin: germline.
Comment: This sequence change replaces arginine, which is basic and polar, with cysteine, which is neutral and slightly polar, at codon 1503 of the CHD4 protein (p.Arg1503Cys). This variant is present in population databases (no rsID available, gnomAD 0.004%). This variant has not been reported in the literature in individuals affected with CHD4-related conditions. ClinVar contains an entry for this variant (Variation ID: 1333841). Invitae Evidence Modeling of protein sequence and biophysical properties (such as structural, functional, and spatial information, amino acid conservation, physicochemical variation, residue mobility, and thermodynamic stability) has been performed for this missense variant. However, the output from this modeling did not meet the statistical confidence thresholds required to predict the impact of this variant on CHD4 protein function. In summary, the available evidence is currently insufficient to determine the role of this variant in disease. Therefore, it has been classified as a Variant of Uncertain Significance.

CENTOGENE GmbH and LLC - Guiding Precision Medicine
Classification: Uncertain significance for Sifrim-Hitz-Weiss syndrome. Last evaluated: 2019-04-11. Review status: criteria provided, single submitter. Criteria: ACMG Guidelines, 2015. Collection method: clinical testing. Allele origin: germline.